The following is an entry in ClinVar:

ClinVar aggregate classification (germline): Uncertain significance (1 of 4 stars; one submission).

Submission:

Labcorp Genetics (formerly Invitae), Labcorp
Classification: Uncertain significance. Last evaluated: 2024-06-26. Review status: criteria provided, single submitter. Criteria: Invitae Variant Classification Sherloc (09022015). Collection method: clinical testing. Allele origin: germline.
Comment: This sequence change replaces glycine, which is neutral and non-polar, with serine, which is neutral and polar, at codon 57 of the SFTPC protein (p.Gly57Ser). This variant is present in population databases (rs369239281, gnomAD 0.02%). This variant has not been reported in the literature in individuals affected with SFTPC-related conditions. An algorithm developed to predict the effect of missense changes on protein structure and function (PolyPhen-2) suggests that this variant is likely to be disruptive. In summary, the available evidence is currently insufficient to determine the role of this variant in disease. Therefore, it has been classified as a Variant of Uncertain Significance.

NM_001317778.2(SFTPC):c.169G>A (p.Gly57Ser)

Gene: SFTPC (surfactant protein C; plus strand). Cytogenetic location: 8p21.3.
Variant type: single nucleotide variant.
Coding change: c.169G>A on transcript NM_001317778.2 (MANE Select); coding-DNA position 169, G replaced by A.
Protein change: p.Gly57Ser; replaces glycine 57 with serine.
Molecular consequence: missense variant. On other transcripts: intron variant (2).
Genome position (GRCh38, 1-based): chr8:22,162,700, G>A. VCF-style: chr8-22162700-G-A. GRCh37 (hg19) VCF-style: chr8-22020213-G-A.
Other names: c.169G>A, p.Gly57Ser (NM_001385654.1, NM_001385655.1, NM_001385656.1 and 8 more transcripts); c.43-380G>A (NM_001385660.1, NM_001317779.2); short protein forms G57S.
Identifiers: ClinVar variation 3718894 (VCV003718894.2).
Genomic context (GRCh38, chr8:22,162,700, plus strand): 5'-CTTATCGTGGTGGTGGTGGTGGTCCTCATCGTCGTGGTGATTGTGGGAGCCCTGCTCATG[G>A]GTCTCCACATGAGCCAGAAACACACGGAGATGGTGAGAGGTGTGGGATGCACAGCAGTGG-3'
Protein context (NP_001304707.1, residues 47-67): VVVIVGALLM[Gly57Ser]LHMSQKHTEM